The following is an entry in ClinVar:

ClinVar aggregate classification (germline): Conflicting classifications of pathogenicity. Review status: criteria provided, conflicting classifications (1 of 4 stars). 2 submissions from 2 submitters: Uncertain significance (1); Likely benign (1). Last evaluated 2023-03-23.

Conditions:
Hereditary breast ovarian cancer syndrome. Also called: Hereditary breast and ovarian cancer; Hereditary breast and/or ovarian cancer syndrome; Hereditary breast and ovarian cancer syndrome; Hereditary breast and ovarian cancer syndrome (HBOC); Breast and ovarian cancer; BRCA1- and BRCA2-Associated Hereditary Breast and Ovarian Cancer. Identifiers: Orphanet 145, MedGen C0677776, MeSH D061325, MONDO:0003582. Disease mechanism: loss of function.
Hereditary cancer-predisposing syndrome. Also called: Hereditary neoplastic syndrome; Tumor predisposition; Neoplastic Syndromes, Hereditary; Hereditary Cancer Syndrome. Identifiers: Orphanet 140162, MedGen C0027672, MeSH D009386, MONDO:0015356.

Submissions (2):

University of Washington Department of Laboratory Medicine, University of Washington
Classification: Likely benign for Hereditary cancer-predisposing syndrome. Last evaluated: 2023-03-23. Review status: criteria provided, single submitter. Criteria: Dines et al. (Genet Med. 2020). Collection method: curation. Allele origin: germline.
Comment: Missense variant in a coldspot region where missense variants are very unlikely to be pathogenic (PMID:31911673).

BRCA2 exon 11 coldspot. Reclassification based on statistical prior probability.

Labcorp Genetics (formerly Invitae), Labcorp
Classification: Uncertain significance for Hereditary breast ovarian cancer syndrome. Last evaluated: 2019-10-09. Review status: criteria provided, single submitter. Criteria: Invitae Variant Classification Sherloc (09022015). Collection method: clinical testing. Allele origin: germline.
Comment: In summary, the available evidence is currently insufficient to determine the role of this variant in disease. Therefore, it has been classified as a Variant of Uncertain Significance. This sequence change replaces serine with leucine at codon 1064 of the BRCA2 protein (p.Ser1064Leu). The serine residue is weakly conserved and there is a large physicochemical difference between serine and leucine. This variant is not present in population databases (ExAC no frequency). This variant has not been reported in the literature in individuals with BRCA2-related conditions. Algorithms developed to predict the effect of missense changes on protein structure and function are either unavailable or do not agree on the potential impact of this missense change (SIFT: "Tolerated"; PolyPhen-2: "Benign"; Align-GVGD: "Class C0").

NM_000059.4(BRCA2):c.3191C>T (p.Ser1064Leu)

Gene: BRCA2 (BRCA2 DNA repair associated; plus strand). Cytogenetic location: 13q13.1.
Variant type: single nucleotide variant.
Coding change: c.3191C>T on transcript NM_000059.4 (MANE Select); coding-DNA position 3191, C replaced by T.
Protein change: p.Ser1064Leu; replaces serine 1064 with leucine.
Molecular consequence: missense variant.
Genome position (GRCh38, 1-based): chr13:32,337,546, C>T. VCF-style: chr13-32337546-C-T. GRCh37 (hg19) VCF-style: chr13-32911683-C-T.
Other names: short protein forms S1064L.
Identifiers: ClinVar variation 953891 (VCV000953891.11), dbSNP rs864622609, ClinGen allele CA387775846.